The following is an entry in ClinVar:

NM_004415.4(DSP):c.727-11T>C

Gene: DSP (desmoplakin; plus strand). Cytogenetic location: 6p24.3.
Variant type: single nucleotide variant.
Coding change: c.727-11T>C on transcript NM_004415.4 (MANE Select); 11 bases into the intron before coding-DNA position 727, T replaced by C.
Molecular consequence: intron variant.
Genome position (GRCh38, 1-based): chr6:7,563,725, T>C. VCF-style: chr6-7563725-T-C. GRCh37 (hg19) VCF-style: chr6-7563958-T-C.
Other names: c.727-11T>C (LRG_423t1, NM_001319034.2, NM_001008844.3).
Identifiers: ClinVar variation 357937 (VCV000357937.6), dbSNP rs886061745, ClinGen allele CA10627591.

ClinVar aggregate classification (germline): Conflicting classifications of pathogenicity. Review status: criteria provided, conflicting classifications (1 of 4 stars). 4 submissions from 2 submitters: Uncertain significance (3); Likely benign (1). Last evaluated 2023-05-16.

Conditions:
Arrhythmogenic right ventricular dysplasia 8 (ARVD8). Also called: ARRHYTHMOGENIC RIGHT VENTRICULAR DYSPLASIA, FAMILIAL, 8; ARRHYTHMOGENIC RIGHT VENTRICULAR CARDIOMYOPATHY 8; Arrhythmogenic Right Ventricular Dysplasia/Cardiomyopathy 8. Identifiers: MedGen C1843896, MONDO:0011831, OMIM 607450.
Arrhythmogenic cardiomyopathy with wooly hair and keratoderma. Also called: PALMOPLANTAR KERATODERMA WITH LEFT VENTRICULAR CARDIOMYOPATHY AND WOOLLY HAIR; Carvajal syndrome; Dilated cardiomyopathy with woolly hair and keratoderma; Arrhythmogenic cardiomyopathy with woolly hair and keratoderma. Identifiers: Orphanet 65282, MedGen C1854063, MONDO:0011581, OMIM 605676.
Lethal acantholytic epidermolysis bullosa (EBLA). Identifiers: Orphanet 158687, MedGen C1864826, MONDO:0012323, OMIM 609638.
Woolly hair-skin fragility syndrome (WHSF). Identifiers: Orphanet 293165, MedGen C1843292, MONDO:0957307, OMIM 620415.

Allele frequency attached by ClinVar (database versions not stated): gnomAD exomes below 0.00001 and 0.00001.
gnomAD v4.1: 19 of 1,612,034 alleles (0.0012%); highest among the groups gnomAD compares: Non-Finnish European, 0.0016%; no homozygotes.

Submissions (4):

All of Us Research Program, National Institutes of Health
Classification: Likely benign for Arrhythmogenic cardiomyopathy with wooly hair and keratoderma. Last evaluated: 2023-05-16. Review status: criteria provided, single submitter. Criteria: ACMG Guidelines, 2015. Collection method: clinical testing. Allele origin: germline. Inheritance: Autosomal dominant inheritance. Observed: 1 variant allele, 1 heterozygote.
Comment: This study involves interpretation of variants in research participants for the purpose of population health screening. Participant phenotype was not available at the time of variant classification. Additional details can be found in publication PMID: 35346344, PMCID: PMC8962531

Illumina Laboratory Services, Illumina
Classification: Uncertain significance for Arrhythmogenic cardiomyopathy with wooly hair and keratoderma. Last evaluated: 2018-01-12. Review status: criteria provided, single submitter. Criteria: ICSL Variant Classification Criteria 13 December 2019. Collection method: clinical testing. Allele origin: germline.

Illumina Laboratory Services, Illumina
Classification: Uncertain significance for Lethal acantholytic epidermolysis bullosa. Last evaluated: 2018-01-12. Review status: criteria provided, single submitter. Criteria: ICSL Variant Classification Criteria 13 December 2019. Collection method: clinical testing. Allele origin: germline.

Illumina Laboratory Services, Illumina
Classification: Uncertain significance for Arrhythmogenic right ventricular dysplasia 8. Last evaluated: 2018-01-12. Review status: criteria provided, single submitter. Criteria: ICSL Variant Classification Criteria 13 December 2019. Collection method: clinical testing. Allele origin: germline.